The following is an entry in ClinVar:

NM_000429.3(MAT1A):c.610G>A (p.Val204Ile)

Gene: MAT1A (methionine adenosyltransferase 1A; minus strand). Cytogenetic location: 10q22.3.
Variant type: single nucleotide variant.
Coding change: c.610G>A on transcript NM_000429.3 (MANE Select); coding-DNA position 610, G replaced by A.
Protein change: p.Val204Ile; replaces valine 204 with isoleucine.
Molecular consequence: missense variant.
Genome position (GRCh38, 1-based): chr10:80,276,534, C>T on the plus strand (G>A on the coding strand, the complement: MAT1A is on the minus strand). VCF-style: chr10-80276534-C-T. GRCh37 (hg19) VCF-style: chr10-82036290-C-T.
Other names: short protein forms V204I.
Identifiers: ClinVar variation 1025123 (VCV001025123.7), dbSNP rs780529010, ClinGen allele CA5576746.

ClinVar aggregate classification (germline): Uncertain significance (1 of 4 stars; one submission).

Conditions:
Hepatic methionine adenosyltransferase deficiency. Also called: MAT I/III DEFICIENCY; Deficiency of methionine adenosyltransferase; Isolated Persistent Hypermethioninemia; Methionine adenosyltransferase deficiency. Identifiers: Orphanet 168598, MedGen C0268621, MeSH C564683, MONDO:0009607, OMIM 250850.

Allele frequency attached by ClinVar (database versions not stated): TOPMed below 0.00001; ExAC 0.00001; gnomAD exomes 0.00001.
gnomAD v4.1: 16 of 1,613,988 alleles (0.00099%); highest among the groups gnomAD compares: South Asian, 0.0033%; no homozygotes.

Submission:

Labcorp Genetics (formerly Invitae), Labcorp
Classification: Uncertain significance for Hepatic methionine adenosyltransferase deficiency. Last evaluated: 2026-01-19. Review status: criteria provided, single submitter. Criteria: Invitae Variant Classification Sherloc (09022015). Collection method: clinical testing. Allele origin: germline.
Comment: This sequence change replaces valine, which is neutral and non-polar, with isoleucine, which is neutral and non-polar, at codon 204 of the MAT1A protein (p.Val204Ile). This variant is present in population databases (rs780529010, gnomAD 0.003%). This missense change has been observed in individual(s) with hyperhomocysteinemia (PMID: 36787440). ClinVar contains an entry for this variant (Variation ID: 1025123). Invitae Evidence Modeling of protein sequence and biophysical properties (such as structural, functional, and spatial information, amino acid conservation, physicochemical variation, residue mobility, and thermodynamic stability) indicates that this missense variant is not expected to disrupt MAT1A protein function with a negative predictive value of 80%. In summary, the available evidence is currently insufficient to determine the role of this variant in disease. Therefore, it has been classified as a Variant of Uncertain Significance.

Literature cited by the submitters: PubMed 36787440.